The following is an entry in ClinVar:

NM_001378454.1(ALMS1):c.1772A>G (p.Asp591Gly)

Gene: ALMS1 (ALMS1 centrosome and basal body associated protein; plus strand). Cytogenetic location: 2p13.1.
Variant type: single nucleotide variant.
Coding change: c.1772A>G on transcript NM_001378454.1 (MANE Select); coding-DNA position 1772, A replaced by G.
Protein change: p.Asp591Gly; replaces aspartic acid 591 with glycine.
Molecular consequence: missense variant.
Genome position (GRCh38, 1-based): chr2:73,448,299, A>G. VCF-style: chr2-73448299-A-G. GRCh37 (hg19) VCF-style: chr2-73675426-A-G.
Other names: c.1775A>G, p.Asp592Gly (NM_015120.4); short protein forms D591G, D592G.
Identifiers: ClinVar variation 1779857 (VCV001779857.5), dbSNP rs541118531, ClinGen allele CA347265361.
Genomic context (GRCh38, chr2:73,448,299, plus strand): 5'-TCTCTAGTTCCCACTCACATAGGGGGAAGCCCAGCATTTTCTACCAGCAGGGCTTGCCAG[A>G]CAGTCATCTAACTGAAGAGGCTTTGAAAGTTTCAGCTGCTCCTGGACTAGCTGACCAGAC-3'
Protein context (NP_001365383.1, residues 581-601): PSIFYQQGLP[Asp591Gly]SHLTEEALKV

ClinVar aggregate classification (germline): Uncertain significance. Review status: criteria provided, multiple submitters, no conflicts (2 of 4 stars). 2 submissions from 2 submitters: Uncertain significance (2). Last evaluated 2023-07-21.

Conditions:
Cardiovascular phenotype. Identifiers: MedGen CN230736.
Alstrom syndrome (ALMS). Identifiers: Orphanet 64, MedGen C0268425, MONDO:0008763, OMIM 203800.

gnomAD v4.1: 2 of 1,613,926 alleles (0.00012%); highest among the groups gnomAD compares: Middle Eastern, 0.016%; no homozygotes.

Submissions (2):

Labcorp Genetics (formerly Invitae), Labcorp
Classification: Uncertain significance for Alstrom syndrome. Last evaluated: 2023-07-21. Review status: criteria provided, single submitter. Criteria: Invitae Variant Classification Sherloc (09022015). Collection method: clinical testing. Allele origin: germline.
Comment: In summary, the available evidence is currently insufficient to determine the role of this variant in disease. Therefore, it has been classified as a Variant of Uncertain Significance. Experimental studies and prediction algorithms are not available or were not evaluated, and the functional significance of this variant is currently unknown. ClinVar contains an entry for this variant (Variation ID: 1779857). This variant has not been reported in the literature in individuals affected with ALMS1-related conditions. This variant is not present in population databases (gnomAD no frequency). This sequence change replaces aspartic acid, which is acidic and polar, with glycine, which is neutral and non-polar, at codon 592 of the ALMS1 protein (p.Asp592Gly).

Ambry Genetics
Classification: Uncertain significance for Cardiovascular phenotype. Last evaluated: 2020-10-29. Review status: criteria provided, single submitter. Criteria: Ambry Variant Classification Scheme 2023. Collection method: clinical testing. Allele origin: germline.
Comment: The p.D592G variant (also known as c.1775A>G), located in coding exon 8 of the ALMS1 gene, results from an A to G substitution at nucleotide position 1775. The aspartic acid at codon 592 is replaced by glycine, an amino acid with similar properties. This amino acid position is well conserved in available vertebrate species; however, glycine is the reference amino acid in other vertebrate species. In addition, this alteration is predicted to be tolerated by in silico analysis. Since supporting evidence is limited at this time, the clinical significance of this alteration remains unclear.